The following is an entry in ClinVar:

ClinVar aggregate classification (germline): Uncertain significance (1 of 4 stars; one submission).

Submission:

GeneDx
Classification: Uncertain significance. Last evaluated: 2017-04-04. Review status: criteria provided, single submitter. Criteria: GeneDx Variant Classification (06012015). Collection method: clinical testing. Allele origin: germline. Affected: yes.
Comment: A variant of uncertain significance has been identified in the TPM1 gene. The E40Q variant has not been published as pathogenic or been reported as benign to our knowledge. Additionally, this variant is not observed in large population cohorts (Lek et al., 2016; 1000 Genomes Consortium et al., 2015; Exome Variant Server). The E40Q variant is a semi-conservative amino acid substitution, which may impact secondary protein structure as these residues differ in some properties. Furthermore, this substitution occurs at a position that is conserved across species and in silico analysis predicts this variant is probably damaging to the protein structure/function. Moreover, a likely pathogenic missense variant at the same residue (E40K) has been previously reported in association with DCM (Olson et al., 2001), supporting the functional importance of this residue. Nevertheless, the E40Q variant has not been observed in a significant number of affected individuals and it lacks both segregation and functional studies which would further clarify its pathogenicity.

NM_001018005.2(TPM1):c.118G>C (p.Glu40Gln)

Gene: TPM1 (tropomyosin 1; plus strand). Cytogenetic location: 15q22.2.
Variant type: single nucleotide variant.
Coding change: c.118G>C on transcript NM_001018005.2 (MANE Select); coding-DNA position 118, G replaced by C.
Protein change: p.Glu40Gln; replaces glutamic acid 40 with glutamine.
Molecular consequence: missense variant. On other transcripts: intron variant (3).
Genome position (GRCh38, 1-based): chr15:63,044,030, G>C. VCF-style: chr15-63044030-G-C. GRCh37 (hg19) VCF-style: chr15-63336229-G-C.
Other names: c.118G>C, p.Glu40Gln (NM_000366.6, NM_001018004.2, NM_001018006.2 and 3 more transcripts); c.244G>C, p.Glu82Gln (NM_001365778.1); c.240+199G>C (NM_001018020.2, NM_001018007.2, NM_001301244.2); short protein forms E40Q, E82Q.
Identifiers: ClinVar variation 426787 (VCV000426787.2), dbSNP rs104894501, ClinGen allele CA392718483.
Genomic context (GRCh38, chr15:63,044,030, plus strand): 5'-GGATCACGCTGCCTGCTGCACCCCCCTCCCTCCCTGTACCCCCTGGCCAACTCCCAGCTG[G>C]AAGATGAGCTGGTGTCACTGCAAAAGAAACTCAAGGGCACCGAAGATGAACTGGACAAAT-3'
Protein context (NP_001018005.1, residues 30-50): KAAEDRSKQL[Glu40Gln]DELVSLQKKL